The following is an entry in ClinVar:

NM_001330691.3(CEP78):c.1206G>T (p.Arg402Ser)

Gene: CEP78 (centrosomal protein 78; plus strand). Cytogenetic location: 9q21.2.
Variant type: single nucleotide variant.
Coding change: c.1206G>T on transcript NM_001330691.3 (MANE Select); coding-DNA position 1206, G replaced by T.
Protein change: p.Arg402Ser; replaces arginine 402 with serine.
Molecular consequence: missense variant.
Genome position (GRCh38, 1-based): chr9:78,253,232, G>T. VCF-style: chr9-78253232-G-T. GRCh37 (hg19) VCF-style: chr9-80868148-G-T.
Other names: c.1209G>T, p.Arg403Ser (NM_001098802.3, NM_001349839.2, NM_001349840.2 and 1 more transcripts); c.1206G>T, p.Arg402Ser (NM_001330693.3, NM_001330694.2, NM_001349838.2); short protein forms R402S, R403S.
Identifiers: ClinVar variation 962854 (VCV000962854.9), dbSNP rs1826847602, ClinGen allele CA373860083.
Genomic context (GRCh38, chr9:78,253,232, plus strand): 5'-AGTGTTAACTGGTGGTGTATTTACATCAAAATATAACTTAATTTATCGATATCTTTTTAG[G>T]GGTTTCCCATTAATCAAAACACGTGATATATGTAATCAGTTGCAGGTACGTAGTTACCAT-3'
Protein context (NP_001317620.1, residues 392-412): WRTAERAKRH[Arg402Ser]GFPLIKTRDI

ClinVar aggregate classification (germline): Uncertain significance (1 of 4 stars; one submission).

gnomAD v4.1: 1 of 1,294,998 alleles (0.000077%); highest among the groups gnomAD compares: Non-Finnish European, 0.00011%; no homozygotes.

Submission:

Labcorp Genetics (formerly Invitae), Labcorp
Classification: Uncertain significance. Last evaluated: 2019-10-28. Review status: criteria provided, single submitter. Criteria: Invitae Variant Classification Sherloc (09022015). Collection method: clinical testing. Allele origin: germline.
Comment: In summary, the available evidence is currently insufficient to determine the role of this variant in disease. Therefore, it has been classified as a Variant of Uncertain Significance. Algorithms developed to predict the effect of sequence changes on RNA splicing suggest that this variant may disrupt the consensus splice site, but this prediction has not been confirmed by published transcriptional studies. Algorithms developed to predict the effect of missense changes on protein structure and function are either unavailable or do not agree on the potential impact of this missense change (SIFT: "Tolerated"; PolyPhen-2: "Probably Damaging"; Align-GVGD: "Class C0"). This variant has not been reported in the literature in individuals with CEP78-related conditions. This variant is not present in population databases (ExAC no frequency). This sequence change replaces arginine with serine at codon 403 of the CEP78 protein (p.Arg403Ser). The arginine residue is moderately conserved and there is a moderate physicochemical difference between arginine and serine.